The following is an entry in ClinVar:

NM_001242896.3(DEPDC5):c.3213del (p.Glu1072fs)

Gene: DEPDC5 (DEP domain containing 5, GATOR1 subcomplex subunit; plus strand). Cytogenetic location: 22q12.3.
Variant type: Deletion.
Coding change: c.3213del on transcript NM_001242896.3 (MANE Select); coding-DNA position 3213, one base deleted (C; older notation c.3213delC).
Protein change: p.Glu1072fs; shifts the reading frame from glutamic acid 1072.
Molecular consequence: frameshift variant. On other transcripts: non-coding transcript variant (5).
Genome position (GRCh38, 1-based): chr22:31,857,502, C deleted; the last of 2 consecutive C bases (chr22:31,857,501-31,857,502); deleting either gives the same sequence. VCF-style (leftmost placement, unchanged base first): chr22-31857500-GC-G. GRCh37 (hg19) VCF-style: chr22-32253486-GC-G.
Other names: c.3186del, p.Glu1063fs (NM_001136029.4, NM_001369903.1, NM_014662.6); c.2979del, p.Glu994fs (NM_001242897.2, NM_001363854.2, NM_001364319.2); c.3213del, p.Glu1072fs (NM_001363852.2, NM_001364318.2, NM_001364320.2); c.3129del, p.Glu1044fs (NM_001369901.1, NM_001369902.1); short protein forms E1063fs, E1072fs, E994fs, E1044fs.
Identifiers: ClinVar variation 4712132 (VCV004712132.1).

ClinVar aggregate classification (germline): Pathogenic (1 of 4 stars; one submission).

Conditions:
Familial focal epilepsy with variable foci (FPEVF). Identifiers: Orphanet 98820, MedGen C1858477, MONDO:0020310.

Submission:

Labcorp Genetics (formerly Invitae), Labcorp
Classification: Pathogenic for Familial focal epilepsy with variable foci. Last evaluated: 2025-02-02. Review status: criteria provided, single submitter. Criteria: Invitae Variant Classification Sherloc (09022015). Collection method: clinical testing. Allele origin: germline.
Comment: This sequence change creates a premature translational stop signal (p.Glu1072Argfs*7) in the DEPDC5 gene. It is expected to result in an absent or disrupted protein product. Loss-of-function variants in DEPDC5 are known to be pathogenic (PMID: 23542697, 23542701). This variant is not present in population databases (gnomAD no frequency). This variant has not been reported in the literature in individuals affected with DEPDC5-related conditions. For these reasons, this variant has been classified as Pathogenic.

Literature cited by the submitters: PubMed 23542697; PubMed 23542701.